The following is an entry in ClinVar:

NM_001370298.3(FGD4):c.1156A>G (p.Met386Val)

Gene: FGD4 (FYVE, RhoGEF and PH domain containing 4; plus strand). Cytogenetic location: 12p11.21.
Variant type: single nucleotide variant.
Coding change: c.1156A>G on transcript NM_001370298.3 (MANE Select); coding-DNA position 1156, A replaced by G.
Protein change: p.Met386Val; replaces methionine 386 with valine.
Molecular consequence: missense variant. On other transcripts: initiator codon variant (1), 5 prime UTR variant (1).
Genome position (GRCh38, 1-based): chr12:32,601,332, A>G. VCF-style: chr12-32601332-A-G. GRCh37 (hg19) VCF-style: chr12-32754266-A-G.
Other names: c.1000A>G, p.Met334Val (NM_001304481.2); c.1A>G, p.Met1Val (NM_001304483.2); c.-307A>G (NM_001304484.2); c.466A>G, p.Met156Val (NM_001330373.2, NM_001330374.2, NM_001384130.1); c.193A>G, p.Met65Val (NM_001370297.1); c.1156A>G, p.Met386Val (NM_001384126.1); c.745A>G, p.Met249Val (NM_001384127.1, NM_001384128.1, NM_001385118.1 and 1 more transcripts); short protein forms M1V, M334V, M249V, M65V, M156V, M386V.
Identifiers: ClinVar variation 1044643 (VCV001044643.9), dbSNP rs1948410675, ClinGen allele CA384358109.
Genomic context (GRCh38, chr12:32,601,332, plus strand): 5'-ATTCAGGTATTTTATTGCAAACTGTTGGAAGAAGCAAACCGAGGCTCGTTTCCAGCAGAG[A>G]TGGTGAATAAAATCTTTTCTAATATTTCATCAATAAATGCCTTCCATAGTAAATTCCTCT-3'
Protein context (NP_001357227.2, residues 376-396): EANRGSFPAE[Met386Val]VNKIFSNISS

ClinVar aggregate classification (germline): Uncertain significance (1 of 4 stars; one submission).

Conditions:
Charcot-Marie-Tooth disease type 4. Also called: Charcot-Marie-Tooth, Type 4; Charcot-Marie-Tooth disease, type IV. Identifiers: Orphanet 64749, MedGen C4082197, MONDO:0018995.

Submission:

Labcorp Genetics (formerly Invitae), Labcorp
Classification: Uncertain significance for Charcot-Marie-Tooth disease type 4. Last evaluated: 2020-09-02. Review status: criteria provided, single submitter. Criteria: Invitae Variant Classification Sherloc (09022015). Collection method: clinical testing. Allele origin: germline.
Comment: This variant has not been reported in the literature in individuals with FGD4-related conditions. In summary, the available evidence is currently insufficient to determine the role of this variant in disease. Therefore, it has been classified as a Variant of Uncertain Significance. Algorithms developed to predict the effect of missense changes on protein structure and function (SIFT, PolyPhen-2, Align-GVGD) all suggest that this variant is likely to be tolerated, but these predictions have not been confirmed by published functional studies and their clinical significance is uncertain. This variant is not present in population databases (ExAC no frequency). This sequence change replaces methionine with valine at codon 249 of the FGD4 protein (p.Met249Val). The methionine residue is highly conserved and there is a small physicochemical difference between methionine and valine.